The following is an entry in ClinVar:

NC_000013.10:g.(?_100861566)_(101020848_?)del

Gene: PCCA (propionyl-CoA carboxylase subunit alpha; plus strand). Cytogenetic location: 13q32.3.
Variant type: Deletion.
Identifiers: ClinVar variation 3244152 (VCV003244152.1).

ClinVar aggregate classification (germline): Pathogenic (1 of 4 stars; one submission).

Conditions:
Propionic acidemia (PROP). Also called: GLYCINEMIA, KETOTIC; HYPERGLYCINEMIA WITH KETOACIDOSIS AND LEUKOPENIA; KETOTIC HYPERGLYCINEMIA. Identifiers: Orphanet 35, MedGen C0268579, MONDO:0011628, OMIM 606054, HP:0003571.

Submission:

Labcorp Genetics (formerly Invitae), Labcorp
Classification: Pathogenic for Propionic acidemia. Last evaluated: 2023-08-09. Review status: criteria provided, single submitter. Criteria: Invitae Variant Classification Sherloc (09022015). Collection method: clinical testing. Allele origin: unknown.
Comment: This variant is a gross deletion of the genomic region encompassing exon(s) 7-19 of the PCCA gene. This variant would be expected to be in-frame, preserving the integrity of the reading frame. This variant has not been reported in the literature in individuals affected with PCCA-related conditions. For these reasons, this variant has been classified as Pathogenic. This variant disrupts a region of the PCCA protein in which other variant(s) (p.Arg230Cys) have been determined to be pathogenic (PMID: 30274917; Invitae). This suggests that this is a clinically significant region of the protein, and that variants that disrupt it are likely to be disease-causing.

Literature cited by the submitters: PubMed 30274917.